The following is an entry in ClinVar:

NM_000057.4(BLM):c.2594_2598del (p.Tyr865fs)

Gene: BLM (BLM RecQ like helicase; plus strand). Cytogenetic location: 15q26.1.
Variant type: Deletion.
Coding change: c.2594_2598del on transcript NM_000057.4 (MANE Select); coding-DNA positions 2594 to 2598, 5 bases deleted (ATGTA; older notation c.2594_2598delATGTA).
Protein change: p.Tyr865fs; shifts the reading frame from tyrosine 865.
Molecular consequence: frameshift variant.
Genome position (GRCh38, 1-based): chr15:90,782,860-90,782,864, ATGTA deleted. VCF-style (leftmost placement, unchanged base first): chr15-90782859-TATGTA-T. GRCh37 (hg19) VCF-style: chr15-91326089-TATGTA-T.
Other names: c.2594_2598del, p.Tyr865fs (NM_001287246.2, NM_001287247.2); c.1469_1473del, p.Tyr490fs (NM_001287248.2); short protein forms Y490fs, Y865fs.
Identifiers: ClinVar variation 2786571 (VCV002786571.3), dbSNP rs2505495374, ClinGen allele CA2739269812.
Genomic context (GRCh38, chr15:90,782,859, plus strand): 5'-TTTTATGTTTGGGACTTTTTTAGGTTTAGCATGAGCTTTAACAGACATAATCTGAAATAC[TATGTA>T]TTACCGAAAAAGCCTAAAAAGGTGGCATTTGATTGCCTAGAATGGATCAGAAAGCACCAC-3'

ClinVar aggregate classification (germline): Pathogenic (1 of 4 stars; one submission).

Conditions:
Bloom syndrome (BLM). Also called: Bloom-Torre-Machacek syndrome. Identifiers: Orphanet 125, MedGen C0005859, MONDO:0008876, OMIM 210900.

Submission:

Labcorp Genetics (formerly Invitae), Labcorp
Classification: Pathogenic for Bloom syndrome. Last evaluated: 2022-11-19. Review status: criteria provided, single submitter. Criteria: Invitae Variant Classification Sherloc (09022015). Collection method: clinical testing. Allele origin: germline.
Comment: For these reasons, this variant has been classified as Pathogenic. This variant has not been reported in the literature in individuals affected with BLM-related conditions. This variant is not present in population databases (gnomAD no frequency). This sequence change creates a premature translational stop signal (p.Tyr865Phefs*6) in the BLM gene. It is expected to result in an absent or disrupted protein product. Loss-of-function variants in BLM are known to be pathogenic (PMID: 17407155).

Literature cited by the submitters: PubMed 17407155.